The following is an entry in ClinVar:

NM_012156.2(EPB41L1):c.1934G>A (p.Arg645Gln)

Gene: EPB41L1 (erythrocyte membrane protein band 4.1 like 1; plus strand). Cytogenetic location: 20q11.23.
Variant type: single nucleotide variant.
Coding change: c.1934G>A on transcript NM_012156.2 (MANE Select); coding-DNA position 1934, G replaced by A.
Protein change: p.Arg645Gln; replaces arginine 645 with glutamine.
Molecular consequence: missense variant. On other transcripts: intron variant (1).
Genome position (GRCh38, 1-based): chr20:36,209,753, G>A. VCF-style: chr20-36209753-G-A. GRCh37 (hg19) VCF-style: chr20-34797675-G-A.
Other names: c.1934G>A, p.Arg645Gln (NM_001258329.1); c.1712G>A, p.Arg571Gln (NM_001258331.2, NM_177996.2); c.1540-2519G>A (NM_001258330.1); short protein forms R571Q, R645Q.
Identifiers: ClinVar variation 435069 (VCV000435069.13), dbSNP rs78442416, ClinGen allele CA9840122.
Genomic context (GRCh38, chr20:36,209,753, plus strand): 5'-TTGGTGACTACCATGGCAGCGCCTTCGAAGACTTCTCCCGCAGCCTGCCTGAGCTCGACC[G>A]GGACAAAAGCGACTCGGACACTGAGGGCCTGCTGTTCTCCCGGGATCTCAACAAGGGGGC-3'
Protein context (NP_036288.2, residues 635-655): DFSRSLPELD[Arg645Gln]DKSDSDTEGL

ClinVar aggregate classification (germline): Benign/Likely benign. Review status: criteria provided, multiple submitters, no conflicts (2 of 4 stars). 4 submissions from 4 submitters: Benign (1); Likely benign (2). 1 of the submissions does not count toward it. Last evaluated 2019-12-31.

Conditions:
EPB41L1-related disorder. Also called: EPB41L1-related condition.

Allele frequency attached by ClinVar (database versions not stated): ESP Exome Variant Server 0.00008; gnomAD 0.00048 and 0.00062; TOPMed 0.00090; ExAC 0.00092; gnomAD exomes 0.00107; 1000 Genomes Project 0.00240; 1000 Genomes Project 30x 0.00265.
gnomAD v4.1: 621 of 1,614,086 alleles (0.038%); highest among the groups gnomAD compares: East Asian, 0.51%; 1 homozygote.

Submissions (4):

Labcorp Genetics (formerly Invitae), Labcorp
Classification: Benign. Last evaluated: 2019-12-31. Review status: criteria provided, single submitter. Criteria: Invitae Variant Classification Sherloc (09022015). Collection method: clinical testing. Allele origin: germline.

Genetic Services Laboratory, University of Chicago
Classification: Likely benign. Last evaluated: 2017-01-29. Review status: criteria provided, single submitter. Criteria: ACMG Guidelines, 2015. Collection method: clinical testing. Allele origin: germline. Affected: no.

Breakthrough Genomics
Classification: Likely benign. Review status: criteria provided, single submitter. Criteria: ACMG Guidelines, 2015. Collection method: not provided. Allele origin: germline. Inheritance: Autosomal dominant inheritance. Affected: yes.

PreventionGenetics, part of Exact Sciences
Classification: Likely benign for EPB41L1-related condition. Last evaluated: 2021-02-01. Review status: no assertion criteria provided. Collection method: clinical testing. Allele origin: germline. Not counted in ClinVar's aggregate classification.
Comment: This variant is classified as likely benign based on ACMG/AMP sequence variant interpretation guidelines (Richards et al. 2015 PMID: 25741868, with internal and published modifications).